The following is an entry in ClinVar:

NM_001029883.3(PCARE):c.1982A>C (p.Asn661Thr)

Gene: PCARE (photoreceptor cilium actin regulator; minus strand). Cytogenetic location: 2p23.2.
Variant type: single nucleotide variant.
Coding change: c.1982A>C on transcript NM_001029883.3 (MANE Select); coding-DNA position 1982, A replaced by C.
Protein change: p.Asn661Thr; replaces asparagine 661 with threonine.
Molecular consequence: missense variant.
Genome position (GRCh38, 1-based): chr2:29,072,280, T>G on the plus strand (A>C on the coding strand, the complement: PCARE is on the minus strand). VCF-style: chr2-29072280-T-G. GRCh37 (hg19) VCF-style: chr2-29295146-T-G.
Other names: short protein forms N661T.
Identifiers: ClinVar variation 4761665 (VCV004761665.1).

ClinVar aggregate classification (germline): Uncertain significance (1 of 4 stars; one submission).

gnomAD v4.1: 52 of 1,614,100 alleles (0.0032%); highest among the groups gnomAD compares: Middle Eastern, 0.049%; 1 homozygote.

Submission:

Labcorp Genetics (formerly Invitae), Labcorp
Classification: Uncertain significance. Last evaluated: 2025-04-15. Review status: criteria provided, single submitter. Criteria: Invitae Variant Classification Sherloc (09022015). Collection method: clinical testing. Allele origin: germline.
Comment: This sequence change replaces asparagine, which is neutral and polar, with threonine, which is neutral and polar, at codon 661 of the PCARE protein (p.Asn661Thr). This variant is present in population databases (rs763349845, gnomAD 0.03%). This variant has not been reported in the literature in individuals affected with PCARE-related conditions. An algorithm developed to predict the effect of missense changes on protein structure and function outputs the following: PolyPhen-2: "Benign". The threonine amino acid residue is found in multiple mammalian species, which suggests that this missense change does not adversely affect protein function. In summary, the available evidence is currently insufficient to determine the role of this variant in disease. Therefore, it has been classified as a Variant of Uncertain Significance.